The following is an entry in ClinVar:

NM_024675.4(PALB2):c.1008_1009del (p.Leu337fs)

Gene: PALB2 (partner and localizer of BRCA2; minus strand). Cytogenetic location: 16p12.2.
Variant type: Deletion.
Coding change: c.1008_1009del on transcript NM_024675.4 (MANE Select); coding-DNA positions 1008 to 1009, 2 bases deleted (CT; older notation c.1008_1009delCT).
Protein change: p.Leu337fs; shifts the reading frame from leucine 337.
Molecular consequence: frameshift variant.
Genome position (GRCh38, 1-based): chr16:23,635,537-23,635,538, AG deleted on the plus strand (CT on the coding strand, the reverse complement: PALB2 is on the minus strand). VCF-style (leftmost placement, unchanged base first): chr16-23635536-AAG-A. GRCh37 (hg19) VCF-style: chr16-23646857-AAG-A.
Other names: c.1008_1009delCT (NM_024675.3); short protein forms L337fs.
Identifiers: ClinVar variation 484180 (VCV000484180.8), dbSNP rs1555461502, ClinGen allele CA658658434.
Genomic context (GRCh38, chr16:23,635,536, plus strand): 5'-GATTTTAAAGATTTCTCTGTTTGATTTTGTTCTTTTAAGTTTTGGTTTTCATTTGCTGGT[AAG>A]TTATTGTAGGTGAGTTCATTTAGAGAACATGAAATATTTGCCTCTAAATTAGAACTTGTG-3'

ClinVar aggregate classification (germline): Pathogenic. Review status: criteria provided, multiple submitters, no conflicts (2 of 4 stars). 2 submissions from 2 submitters: Pathogenic (2). Last evaluated 2025-04-22.

Conditions:
Familial cancer of breast. Also called: BREAST CANCER, FAMILIAL; Hereditary breast cancer; hereditary breast carcinoma. Identifiers: Orphanet 227535, MedGen C0346153, MONDO:0016419, OMIM 114480. Disease mechanism: loss of function.
Hereditary cancer-predisposing syndrome. Also called: Neoplastic Syndromes, Hereditary; Tumor predisposition; Hereditary Cancer Syndrome; Hereditary neoplastic syndrome. Identifiers: Orphanet 140162, MedGen C0027672, MeSH D009386, MONDO:0015356.

Submissions (2):

Ambry Genetics
Classification: Pathogenic for Hereditary cancer-predisposing syndrome. Last evaluated: 2025-04-22. Review status: criteria provided, single submitter. Criteria: Ambry Variant Classification Scheme 2023. Collection method: clinical testing. Allele origin: germline.
Comment: The c.1008_1009delCT pathogenic mutation, located in coding exon 4 of the PALB2 gene, results from a deletion of two nucleotides at nucleotide positions 1008 to 1009, causing a translational frameshift with a predicted alternate stop codon (p.L337Tfs*4). This variant is considered to be rare based on population cohorts in the Genome Aggregation Database (gnomAD). This alteration is expected to result in loss of function by premature protein truncation or nonsense-mediated mRNA decay. As such, this alteration is interpreted as a disease-causing mutation.

Labcorp Genetics (formerly Invitae), Labcorp
Classification: Pathogenic for Familial cancer of breast. Last evaluated: 2024-12-31. Review status: criteria provided, single submitter. Criteria: Invitae Variant Classification Sherloc (09022015). Collection method: clinical testing. Allele origin: germline.
Comment: This sequence change creates a premature translational stop signal (p.Leu337Thrfs*4) in the PALB2 gene. It is expected to result in an absent or disrupted protein product. Loss-of-function variants in PALB2 are known to be pathogenic (PMID: 17200668, 17200671, 17200672, 24136930, 25099575). This variant is not present in population databases (gnomAD no frequency). This premature translational stop signal has been observed in individual(s) with ovarian cancer (PMID: 28888541). ClinVar contains an entry for this variant (Variation ID: 484180). For these reasons, this variant has been classified as Pathogenic.

Literature cited by the submitters: PubMed 17200668 (cited by Labcorp Genetics (formerly Invitae), Labcorp); PubMed 17200671 (cited by Labcorp Genetics (formerly Invitae), Labcorp); PubMed 17200672 (cited by Labcorp Genetics (formerly Invitae), Labcorp); PubMed 24136930 (cited by Labcorp Genetics (formerly Invitae), Labcorp); PubMed 25099575 (cited by Labcorp Genetics (formerly Invitae), Labcorp); PubMed 28888541 (cited by Labcorp Genetics (formerly Invitae), Labcorp).